The following is an entry in ClinVar:

NM_000038.6(APC):c.7270T>C (p.Ser2424Pro)

Gene: APC (APC regulator of Wnt signaling pathway; plus strand). Cytogenetic location: 5q22.2.
Variant type: single nucleotide variant.
Coding change: c.7270T>C on transcript NM_000038.6 (MANE Select); coding-DNA position 7270, T replaced by C.
Protein change: p.Ser2424Pro; replaces serine 2424 with proline.
Molecular consequence: missense variant. On other transcripts: non-coding transcript variant (2).
Genome position (GRCh38, 1-based): chr5:112,842,864, T>C. VCF-style: chr5-112842864-T-C. GRCh37 (hg19) VCF-style: chr5-112178561-T-C.
Other names: c.7270T>C, p.Ser2424Pro (NM_001127510.3, NM_001354895.2, NM_001407450.1); c.7216T>C, p.Ser2406Pro (NM_001127511.3); c.7324T>C, p.Ser2442Pro (NM_001354896.2, NM_001407447.1, NM_001407448.1 and 1 more transcripts); c.7300T>C, p.Ser2434Pro (NM_001354897.2); c.7195T>C, p.Ser2399Pro (NM_001354898.2); c.7186T>C, p.Ser2396Pro (NM_001354899.2); c.7147T>C, p.Ser2383Pro (NM_001354900.2); c.7093T>C, p.Ser2365Pro (NM_001354901.2, NM_001407453.1); and 11 more; short protein forms S2295P, S2323P, S2333P, S2399P, S2383P, S2396P, S2406P, S2414P.
Identifiers: ClinVar variation 5024973 (VCV005024973.1).

ClinVar aggregate classification (germline): Uncertain significance (1 of 4 stars; one submission).

Conditions:
Hereditary cancer-predisposing syndrome. Also called: Neoplastic Syndromes, Hereditary; Tumor predisposition; Hereditary neoplastic syndrome; Hereditary Cancer Syndrome. Identifiers: Orphanet 140162, MedGen C0027672, MeSH D009386, MONDO:0015356.

gnomAD v4.1: 2 of 1,613,954 alleles (0.00012%); highest among the groups gnomAD compares: South Asian, 0.0022%; 1 homozygote.

Submission:

Ambry Genetics
Classification: Uncertain significance for Hereditary cancer-predisposing syndrome. Last evaluated: 2026-07-06. Review status: criteria provided, single submitter. Criteria: Ambry Variant Classification Scheme 2023. Collection method: clinical testing. Allele origin: germline.
Comment: The p.S2424P variant (also known as c.7270T>C), located in coding exon 15 of the APC gene, results from a T to C substitution at nucleotide position 7270. The serine at codon 2424 is replaced by proline, an amino acid with similar properties. This amino acid position is conserved. In addition, in silico predictors for this gene do not accurately predict pathogenicity. Based on the available evidence, the clinical significance of this variant remains unclear.